The following is an entry in ClinVar:

NC_000009.11:g.(?_98240327)_(98279100_?)dup

Gene: PTCH1 (patched 1; minus strand). Cytogenetic location: 9q22.32.
Variant type: Duplication.
Identifiers: ClinVar variation 3245049 (VCV003245049.1).

ClinVar aggregate classification (germline): Uncertain significance (1 of 4 stars; one submission).

Conditions:
Gorlin syndrome. Also called: Basal cell nevus syndrome; Nevoid Basal Cell Carcinoma Syndrome. Identifiers: Orphanet 377, MedGen C0004779, MONDO:0007187.

Submission:

Labcorp Genetics (formerly Invitae), Labcorp
Classification: Uncertain significance for Gorlin syndrome. Last evaluated: 2023-07-31. Review status: criteria provided, single submitter. Criteria: Invitae Variant Classification Sherloc (09022015). Collection method: clinical testing. Allele origin: unknown.
Comment: In summary, the available evidence is currently insufficient to determine the role of this variant in disease. Therefore, it has been classified as a Variant of Uncertain Significance. Experimental studies and prediction algorithms are not available or were not evaluated, and the functional significance of this variant is currently unknown. This variant has not been reported in the literature in individuals affected with PTCH1-related conditions. This variant results in a copy number gain of the genomic region encompassing exon(s) 1-9 of the PTCH1 gene. This region includes the initiator codon of the gene. This copy number gain extends beyond the assayed region for this gene and therefore may encompass additional genes. As the precise location of this event is unknown, it may be in tandem or it may be located elsewhere in the genome.